The following is an entry in ClinVar:

NM_001243279.3(ACSF3):c.1366+3A>G

Gene: ACSF3 (acyl-CoA synthetase family member 3; plus strand). Cytogenetic location: 16q24.3.
Variant type: single nucleotide variant.
Coding change: c.1366+3A>G on transcript NM_001243279.3 (MANE Select); 3 bases into the intron after coding-DNA position 1366, A replaced by G.
Molecular consequence: intron variant.
Genome position (GRCh38, 1-based): chr16:89,133,265, A>G. VCF-style: chr16-89133265-A-G. GRCh37 (hg19) VCF-style: chr16-89199673-A-G.
Other names: c.1366+3A>G (NM_001127214.4, NM_174917.5); c.571+3A>G (NM_001284316.2).
Identifiers: ClinVar variation 2238829 (VCV002238829.3), dbSNP rs372495378, ClinGen allele CA8238113.

ClinVar aggregate classification (germline): Uncertain significance. Review status: criteria provided, multiple submitters, no conflicts (2 of 4 stars). 2 submissions from 2 submitters: Uncertain significance (2). Last evaluated 2024-05-26.

Conditions:
Inborn genetic diseases. Identifiers: MedGen C0950123, MeSH D030342.

Allele frequency attached by ClinVar (database versions not stated): gnomAD exomes 0.00001; ExAC 0.00003; gnomAD 0.00003; TOPMed 0.00004; ESP Exome Variant Server 0.00008.
gnomAD v4.1: 16 of 1,613,874 alleles (0.00099%); highest among the groups gnomAD compares: African/African-American, 0.011%; no homozygotes.

Submissions (2):

Women's Health and Genetics/Laboratory Corporation of America, LabCorp
Classification: Uncertain significance. Last evaluated: 2024-05-26. Review status: criteria provided, single submitter. Criteria: LabCorp Variant Classification Summary - May 2015. Collection method: clinical testing. Allele origin: germline.

Ambry Genetics
Classification: Uncertain significance for Inborn genetic diseases. Last evaluated: 2021-08-31. Review status: criteria provided, single submitter. Criteria: Ambry Variant Classification Scheme 2023. Collection method: clinical testing. Allele origin: germline.
Comment: The c.1366+3A>G intronic alteration consists of a A to G substitution nucleotides after coding exon 6 in the ACSF3 gene. Based on insufficient or conflicting evidence, the clinical significance of this alteration remains unclear.